The following is an entry in ClinVar:

ClinVar aggregate classification (germline): Pathogenic (1 of 4 stars; one submission).

Conditions:
Myoclonic dystonia 11 (DYT11). Also called: DYT-SGCE; Myoclonic dystonia; Dystonia 11; Dystonia, alcohol responsive; Hereditary essential myoclonus; SGCE Myoclonus-Dystonia. Identifiers: Orphanet 36899, MedGen C1834570, MONDO:0008044, OMIM 159900.

Submission:

Labcorp Genetics (formerly Invitae), Labcorp
Classification: Pathogenic for Myoclonic dystonia 11. Last evaluated: 2020-09-09. Review status: criteria provided, single submitter. Criteria: Invitae Variant Classification Sherloc (09022015). Collection method: clinical testing. Allele origin: germline.
Comment: This variant is not present in population databases (ExAC no frequency). For these reasons, this variant has been classified as Pathogenic. Loss-of-function variants in SGCE are known to be pathogenic (PMID: 12821748, 15389977, 17853490, 24297365). This variant has been observed in individual(s) with myoclonic dystonia (Invitae). This sequence change creates a premature translational stop signal (p.Thr202Asnfs*15) in the SGCE gene. It is expected to result in an absent or disrupted protein product.

Literature cited by the submitters: PubMed 12821748; PubMed 15389977; PubMed 17853490; PubMed 24297365.

NM_003919.3(SGCE):c.604dup (p.Thr202fs)

Genes: CASD1 (CAS1 domain sialic acid O acetyltransferase 1; plus strand), SGCE (sarcoglycan epsilon; minus strand). Cytogenetic location: 7q21.3.
Variant type: Duplication.
Coding change: c.604dup on transcript NM_003919.3 (MANE Select); coding-DNA position 604, one base duplicated (A; older notation c.604dupA).
Protein change: p.Thr202fs; shifts the reading frame from threonine 202.
Molecular consequence: frameshift variant.
Genome position (GRCh38, 1-based): chr7:94,618,816, T duplicated on the plus strand (A on the coding strand, the reverse complement: SGCE is on the minus strand). VCF-style (leftmost placement, unchanged base first): chr7-94618815-G-GT. GRCh37 (hg19) VCF-style: chr7-94248127-G-GT.
Other names: c.604dup, p.Thr202fs (NM_001346717.2, NM_001099400.2, NM_001099401.2); c.517dup, p.Thr173fs (NM_001346719.2, NM_001362807.2); c.331dup, p.Thr111fs (NM_001346720.2, NM_001362808.2); c.481dup, p.Thr161fs (NM_001362809.2, NM_001301139.2); c.712dup, p.Thr238fs (NM_001346713.2, NM_001346715.2); short protein forms T111fs, T161fs, T173fs, T202fs, T238fs.
Identifiers: ClinVar variation 1074768 (VCV001074768.9), dbSNP rs2116881189, ClinGen allele CA2499219070.